The following is an entry in ClinVar:

ClinVar aggregate classification (germline): Likely benign. Review status: criteria provided, multiple submitters, no conflicts (2 of 4 stars). 3 submissions from 3 submitters: Likely benign (3). Last evaluated 2025-11-18.

Conditions:
TAFAZZIN-related disorder. Also called: TAFAZZIN-related condition; TAFAZZIN-Related Disorders.
Cardiovascular phenotype. Identifiers: MedGen CN230736.
3-Methylglutaconic aciduria type 2 (BTHS). Also called: CARDIOSKELETAL MYOPATHY WITH NEUTROPENIA AND ABNORMAL MITOCHONDRIA; Barth syndrome. Identifiers: Orphanet 111, MedGen C0574083, MONDO:0010543, OMIM 302060.

Allele frequency attached by ClinVar (database versions not stated): gnomAD 0.00005 and 0.00006; ESP Exome Variant Server 0.00028; gnomAD exomes 0.00001 and 0.00003; TOPMed 0.00003; ExAC 0.00005.
gnomAD v4.1: 16 of 1,211,269 alleles (0.0013%); highest among the groups gnomAD compares: African/African-American, 0.024%; no homozygotes.

Submissions (3):

PreventionGenetics, part of Exact Sciences
Classification: Likely benign for TAFAZZIN-related condition. Last evaluated: 2025-11-18. Review status: criteria provided, single submitter. Criteria: ACMG Guidelines, 2015. Collection method: clinical testing. Allele origin: germline.
Comment: This variant is classified as likely benign based on ACMG/AMP sequence variant interpretation guidelines (Richards et al. 2015 PMID: 25741868, with internal and published modifications).

Labcorp Genetics (formerly Invitae), Labcorp
Classification: Likely benign for 3-Methylglutaconic aciduria type 2. Last evaluated: 2025-10-23. Review status: criteria provided, single submitter. Criteria: Invitae Variant Classification Sherloc (09022015). Collection method: clinical testing. Allele origin: germline.

Ambry Genetics
Classification: Likely benign for Cardiovascular phenotype. Last evaluated: 2021-12-15. Review status: criteria provided, single submitter. Criteria: Ambry Variant Classification Scheme 2023. Collection method: clinical testing. Allele origin: germline.

NM_000116.5(TAFAZZIN):c.567C>T (p.Phe189=)

Gene: TAFAZZIN (tafazzin, phospholipid-lysophospholipid transacylase; plus strand). Cytogenetic location: Xq28.
Variant type: single nucleotide variant.
Coding change: c.567C>T on transcript NM_000116.5 (MANE Select); coding-DNA position 567, C replaced by T.
Protein change: p.Phe189=; no amino-acid change (phenylalanine 189 retained).
Molecular consequence: synonymous variant. On other transcripts: non-coding transcript variant (1), intron variant (3).
Genome position (GRCh38, 1-based): chrX:154,419,730, C>T. VCF-style: chrX-154419730-C-T. GRCh37 (hg19) VCF-style: chrX-153648069-C-T.
Other names: c.477C>T, p.Phe159= (NM_181311.4); c.595+107C>T (NM_001303465.2); c.541+107C>T (NM_181312.4); c.451+107C>T (NM_181313.4).
Identifiers: ClinVar variation 696726 (VCV000696726.12), dbSNP rs141773967, ClinGen allele CA10562375.